The following is an entry in ClinVar:

NM_001651.4(AQP5):c.794G>A (p.Arg265His)

Gene: AQP5 (aquaporin 5; plus strand). Cytogenetic location: 12q13.12.
Variant type: single nucleotide variant.
Coding change: c.794G>A on transcript NM_001651.4 (MANE Select); coding-DNA position 794, G replaced by A.
Protein change: p.Arg265His; replaces arginine 265 with histidine.
Molecular consequence: missense variant.
Genome position (GRCh38, 1-based): chr12:49,965,173, G>A. VCF-style: chr12-49965173-G-A. GRCh37 (hg19) VCF-style: chr12-50358956-G-A.
Other names: short protein forms R265H.
Identifiers: ClinVar variation 2399456 (VCV002399456.3), dbSNP rs150292051, ClinGen allele CA6559648.

ClinVar aggregate classification (germline): Conflicting classifications of pathogenicity. Review status: criteria provided, conflicting classifications (1 of 4 stars). 2 submissions from 2 submitters: Uncertain significance (1); Likely benign (1). Last evaluated 2025-10-25.

Allele frequency attached by ClinVar (database versions not stated): gnomAD 0.00013; ESP Exome Variant Server 0.00015; TOPMed 0.00016.
gnomAD v4.1: 237 of 1,607,802 alleles (0.015%); highest among the groups gnomAD compares: East Asian, 0.018%; no homozygotes.

Submissions (2):

Labcorp Genetics (formerly Invitae), Labcorp
Classification: Uncertain significance. Last evaluated: 2025-10-25. Review status: criteria provided, single submitter. Criteria: Invitae Variant Classification Sherloc (09022015). Collection method: clinical testing. Allele origin: germline.
Comment: This sequence change replaces arginine, which is basic and polar, with histidine, which is basic and polar, at codon 265 of the AQP5 protein (p.Arg265His). This variant is present in population databases (rs150292051, gnomAD 0.02%). This variant has not been reported in the literature in individuals affected with AQP5-related conditions. ClinVar contains an entry for this variant (Variation ID: 2399456). An algorithm developed to predict the effect of missense changes on protein structure and function outputs the following: PolyPhen-2: "Benign". The histidine amino acid residue is found in multiple mammalian species, which suggests that this missense change does not adversely affect protein function. In summary, the available evidence is currently insufficient to determine the role of this variant in disease. Therefore, it has been classified as a Variant of Uncertain Significance.

Ambry Genetics
Classification: Likely benign. Last evaluated: 2021-09-16. Review status: criteria provided, single submitter. Criteria: Ambry Variant Classification Scheme 2023. Collection method: clinical testing. Allele origin: germline.